The following is an entry in ClinVar:

ClinVar aggregate classification (germline): Conflicting classifications of pathogenicity. Review status: criteria provided, conflicting classifications (1 of 4 stars). 5 submissions from 4 submitters: Likely pathogenic (2); Uncertain significance (2). 1 of the submissions does not count toward it. Last evaluated 2023-10-28.

Conditions:
Hyperinsulinemic hypoglycemia, familial, 1 (HHF1). Also called: HYPERINSULINISM, FAMILIAL, WITH PANCREATIC NESIDIOBLASTOSIS; HYPOGLYCEMIA, HYPERINSULINEMIC, OF INFANCY; NESIDIOBLASTOSIS OF PANCREAS; Persistent hyperinsulinemic hypoglycemia of infancy; Persistent Hyperinsulinemia Hypoglycemia of Infancy. Identifiers: Orphanet 276575, Orphanet 276598, MedGen C2931832, MONDO:0009734, OMIM 256450.
Transitory neonatal diabetes mellitus. Also called: Transient neonatal diabetes mellitus. Identifiers: MedGen C0342273, MONDO:0020525, HP:0008255.
Familial hyperinsulinism. Also called: Congenital hyperinsulinism. Identifiers: Orphanet 276525, MedGen C3888018, MONDO:0017182. Disease mechanism: loss of function.
Type 2 diabetes mellitus. Also called: Type II diabetes mellitus. Identifiers: MedGen C0011860, MeSH D003924, MONDO:0005148, OMIM 125853, HP:0005978.
Maturity-onset diabetes of the young (MODY). Also called: Maturity onset diabetes mellitus in young. Identifiers: Orphanet 552, MedGen C0342276, MONDO:0018911, HP:0004904.

Allele frequency attached by ClinVar (database versions not stated): gnomAD 0.00001.

Submissions (5):

Baylor Genetics
Classification: Likely pathogenic for Type 2 diabetes mellitus. Last evaluated: 2023-10-28. Review status: criteria provided, single submitter. Criteria: ACMG Guidelines, 2015. Collection method: clinical testing. Allele origin: unknown.

Women's Health and Genetics/Laboratory Corporation of America, LabCorp
Classification: Likely pathogenic for Familial hyperinsulinism. Last evaluated: 2022-10-11. Review status: criteria provided, single submitter. Criteria: LabCorp Variant Classification Summary - May 2015. Collection method: clinical testing. Allele origin: germline.
Comment: Variant summary: ABCC8 c.1671+1G>C is located in a canonical splice-site and is predicted to affect mRNA splicing resulting in a significantly altered protein due to either exon skipping, shortening, or inclusion of intronic material. Several computational tools predict a significant impact on normal splicing by abolishing the 5' splicing donor site. However, these predictions have yet to be confirmed by functional studies. The variant was absent in 159236 control chromosomes. To our knowledge, no occurrence of c.1671+1G>C in individuals affected with Familial Hyperinsulinism and no experimental evidence demonstrating its impact on protein function have been reported. One clinical diagnostic laboratory has submitted clinical-significance assessments for this variant to ClinVar after 2014 and classified the variant as likely pathogenic. Based on the evidence outlined above, the variant was classified as likely pathogenic.

Clinical Genomics, Uppaluri K&H Personalized Medicine Clinic
Classification: Uncertain significance for Transitory neonatal diabetes mellitus. Review status: criteria provided, single submitter. Criteria: K & H Uppaluri Personalized Medicine Clinic Variant Classification & Assertion Criteria_Updated V.1. Collection method: research. Allele origin: unknown. Inheritance: Somatic mutation.
Comment: Mutations in ABCC8 gene are associated with both neonatal diabetes mellitus as well as MODY. Patients with this mutation may have a better response to sulfonylureas. However, no sufficient evidence is found to ascertain the role of this particular variant (rs1057516509) in neonatal diabetes yet.

Clinical Genomics, Uppaluri K&H Personalized Medicine Clinic
Classification: Uncertain significance for Maturity-onset diabetes of the young. Review status: criteria provided, single submitter. Criteria: K & H Uppaluri Personalized Medicine Clinic Variant Classification & Assertion Criteria_Updated V.1. Collection method: research. Allele origin: unknown. Inheritance: Somatic mutation.
Comment: Mutations in ABCC8 gene are associated with both neonatal diabetes mellitus as well as MODY. Patients with this mutation may have a better response to sulfonylureas. However, no sufficient evidence is found to ascertain the role of this particular variant (rs1057516509) in MODY yet.

Counsyl
Classification: Likely pathogenic for Hyperinsulinemic hypoglycemia, familial, 1. Last evaluated: 2016-02-12. Review status: no assertion criteria provided. Collection method: clinical testing. Allele origin: unknown. Not counted in ClinVar's aggregate classification.

Literature cited by the submitters: PubMed 34764980 (cited by Women's Health and Genetics/Laboratory Corporation of America, LabCorp); PubMed 16885549 (cited by Clinical Genomics, Uppaluri K&H Personalized Medicine Clinic); PubMed 21989597 (cited by Clinical Genomics, Uppaluri K&H Personalized Medicine Clinic); PubMed 27538677 (cited by Clinical Genomics, Uppaluri K&H Personalized Medicine Clinic); PubMed 18981553 (cited by Clinical Genomics, Uppaluri K&H Personalized Medicine Clinic); PubMed 32027066 (cited by Clinical Genomics, Uppaluri K&H Personalized Medicine Clinic); PubMed 16613899 (cited by Clinical Genomics, Uppaluri K&H Personalized Medicine Clinic); PubMed 18025408 (cited by Clinical Genomics, Uppaluri K&H Personalized Medicine Clinic); PubMed 32792356 (cited by Clinical Genomics, Uppaluri K&H Personalized Medicine Clinic).

NM_000352.6(ABCC8):c.1671+1G>C

Gene: ABCC8 (ATP binding cassette subfamily C member 8; minus strand). Cytogenetic location: 11p15.1.
Variant type: single nucleotide variant.
Coding change: c.1671+1G>C on transcript NM_000352.6 (MANE Select); the canonical splice donor site of the intron after coding-DNA position 1671, G replaced by C.
Molecular consequence: splice donor variant.
Genome position (GRCh38, 1-based): chr11:17,432,203, C>G on the plus strand (G>C on the coding strand, the complement: ABCC8 is on the minus strand). VCF-style: chr11-17432203-C-G. GRCh37 (hg19) VCF-style: chr11-17453750-C-G.
Other names: c.1668+1G>C (NM_001351297.2, NM_001351296.2); c.1671+1G>C (NM_001351295.2, NM_001287174.3).
Identifiers: ClinVar variation 370464 (VCV000370464.6), dbSNP rs1057516509, ClinGen allele CA16041451.